The following is an entry in ClinVar:

ClinVar aggregate classification (germline): Uncertain significance. Review status: criteria provided, multiple submitters, no conflicts (2 of 4 stars). 2 submissions from 2 submitters: Uncertain significance (2). Last evaluated 2026-06-22.

Conditions:
Rubinstein-Taybi syndrome due to EP300 haploinsufficiency. Also called: EP300-Related Rubinstein-Taybi Syndrome; RUBINSTEIN-TAYBI SYNDROME 2. Identifiers: Orphanet 353284, Orphanet 783, MedGen C3150941, MONDO:0013364, OMIM 613684.
EP300-related disorder. Also called: EP300-related disorders; EP300-related condition.

gnomAD v4.1: 4 of 1,613,316 alleles (0.00025%); highest among the groups gnomAD compares: Non-Finnish European, 0.00034%; no homozygotes.

Submissions (2):

PreventionGenetics, part of Exact Sciences
Classification: Uncertain significance for EP300-related condition. Last evaluated: 2026-06-22. Review status: criteria provided, single submitter. Criteria: ACMG Guidelines, 2015. Collection method: clinical testing. Allele origin: germline.
Comment: The EP300 c.2556G>T variant is predicted to result in the amino acid substitution p.Gln852His. To our knowledge, this variant has not been reported in the literature or in a large population database (gnomAD), indicating this variant is rare. At this time, the clinical significance of this variant is uncertain due to the absence of conclusive functional and genetic evidence.

Labcorp Genetics (formerly Invitae), Labcorp
Classification: Uncertain significance for Rubinstein-Taybi syndrome due to EP300 haploinsufficiency. Last evaluated: 2025-10-01. Review status: criteria provided, single submitter. Criteria: Invitae Variant Classification Sherloc (09022015). Collection method: clinical testing. Allele origin: germline.
Comment: This sequence change replaces glutamine, which is neutral and polar, with histidine, which is basic and polar, at codon 852 of the EP300 protein (p.Gln852His). This variant is not present in population databases (gnomAD no frequency). This variant has not been reported in the literature in individuals affected with EP300-related conditions. ClinVar contains an entry for this variant (Variation ID: 3628164). Invitae Evidence Modeling of protein sequence and biophysical properties (such as structural, functional, and spatial information, amino acid conservation, physicochemical variation, residue mobility, and thermodynamic stability) indicates that this missense variant is not expected to disrupt EP300 protein function with a negative predictive value of 80%. In summary, the available evidence is currently insufficient to determine the role of this variant in disease. Therefore, it has been classified as a Variant of Uncertain Significance.

NM_001429.4(EP300):c.2556G>T (p.Gln852His)

Gene: EP300 (EP300 lysine acetyltransferase; plus strand). Cytogenetic location: 22q13.2.
Variant type: single nucleotide variant.
Coding change: c.2556G>T on transcript NM_001429.4 (MANE Select); coding-DNA position 2556, G replaced by T.
Protein change: p.Gln852His; replaces glutamine 852 with histidine.
Molecular consequence: missense variant.
Genome position (GRCh38, 1-based): chr22:41,149,937, G>T. VCF-style: chr22-41149937-G-T. GRCh37 (hg19) VCF-style: chr22-41545941-G-T.
Other names: c.2478G>T, p.Gln826His (NM_001362843.2); c.2556G>T (NM_001429.3); short protein forms Q826H, Q852H.
Identifiers: ClinVar variation 3628164 (VCV003628164.3).
Genomic context (GRCh38, chr22:41,149,937, plus strand): 5'-CTCGCCTGTACCTAGTCGTACCCCCACCCCTCACCATACTCCCCCAAGCATAGGGGCTCA[G>T]CAGCCACCAGCAACAACAATTCCAGCCCCTGTTCCTACACCTCCTGCCATGCCACCTGGG-3'
Protein context (NP_001420.2, residues 842-862): PHHTPPSIGA[Gln852His]QPPATTIPAP